The following is an entry in ClinVar:

NM_014991.6(WDFY3):c.6652C>T (p.Leu2218Phe)

Gene: WDFY3 (WD repeat and FYVE domain containing 3; minus strand). Cytogenetic location: 4q21.23.
Variant type: single nucleotide variant.
Coding change: c.6652C>T on transcript NM_014991.6 (MANE Select); coding-DNA position 6652, C replaced by T.
Protein change: p.Leu2218Phe; replaces leucine 2218 with phenylalanine.
Molecular consequence: missense variant.
Genome position (GRCh38, 1-based): chr4:84,737,289, G>A on the plus strand (C>T on the coding strand, the complement: WDFY3 is on the minus strand). VCF-style: chr4-84737289-G-A. GRCh37 (hg19) VCF-style: chr4-85658442-G-A.
Other names: short protein forms L2218F.
Identifiers: ClinVar variation 4887106 (VCV004887106.1).
Genomic context (GRCh38, chr4:84,737,289, plus strand): 5'-GCCTTGCTGTAGCTATGTCCACGTGGCCCCTTTCATTCACAGGTAGAGTTACTTTGAAAA[G>A]TTCCTCTAAGACTTGTTTCTTACTATGTATCAGTTCAGTCCAAACTCTGTTGACAGCTTT-3'
Protein context (NP_055806.2, residues 2208-2228): IHSKKQVLEE[Leu2218Phe]FKVTLPVNER

ClinVar aggregate classification (germline): Uncertain significance (1 of 4 stars; one submission).

Submission:

Women's Health and Genetics/Laboratory Corporation of America, LabCorp
Classification: Uncertain significance. Last evaluated: 2026-06-19. Review status: criteria provided, single submitter. Criteria: LabCorp Variant Classification Summary - May 2015. Collection method: clinical testing. Allele origin: germline.
Comment: Variant summary: WDFY3 c.6652C>T (p.Leu2218Phe) results in a non-conservative amino acid change in the encoded protein sequence. Algorithms developed to predict the effect of missense changes on protein structure and function are either unavailable or do not agree on the potential impact of this missense change. The variant was absent in 251204 control chromosomes. The available data on variant occurrences in the general population are insufficient to allow any conclusion about variant significance. To our knowledge, no occurrence of c.6652C>T in individuals affected with WDFY3-related conditions and no experimental evidence demonstrating its impact on protein function have been reported. No submitters have cited clinical-significance assessments for this variant to ClinVar. Based on the evidence outlined above, the variant was classified as uncertain significance.